The following is an entry in ClinVar:

NM_020297.4(ABCC9):c.4408C>A (p.Leu1470Ile)

Genes: ABCC9 (ATP binding cassette subfamily C member 9; minus strand), KCNJ8-AS1 (KCNJ8 antisense RNA 1; plus strand). Cytogenetic location: 12p12.1.
Variant type: single nucleotide variant.
Coding change: c.4408C>A on transcript NM_020297.4 (MANE Select); coding-DNA position 4408, C replaced by A.
Protein change: p.Leu1470Ile; replaces leucine 1470 with isoleucine.
Molecular consequence: missense variant.
Genome position (GRCh38, 1-based): chr12:21,807,387, G>T on the plus strand (C>A on the coding strand, the complement: ABCC9 is on the minus strand). VCF-style: chr12-21807387-G-T. GRCh37 (hg19) VCF-style: chr12-21960321-G-T.
Other names: c.4408C>A, p.Leu1470Ile (NM_001377273.1, NM_005691.4); c.3541C>A, p.Leu1181Ile (NM_001377274.1); short protein forms L1181I, L1470I.
Identifiers: ClinVar variation 4860587 (VCV004860587.1).
Genomic context (GRCh38, chr12:21,807,387, plus strand): 5'-GCTTAGATAATGCACTCACTGTGGCCATGTCAATGGAAGCTGTTGCCTCATCCATAATAA[G>T]AATGCTGCTTTTGCGGACAAAGGCCCTGGCAAGGCAAAATAGCTGTCTCTGTCCAACGCT-3'
Protein context (NP_064693.2, residues 1460-1480): ARAFVRKSSI[Leu1470Ile]IMDEATASID

ClinVar aggregate classification (germline): Uncertain significance (1 of 4 stars; one submission).

Conditions:
Cardiovascular phenotype. Identifiers: MedGen CN230736.

Submission:

Ambry Genetics
Classification: Uncertain significance for Cardiovascular phenotype. Last evaluated: 2026-04-02. Review status: criteria provided, single submitter. Criteria: Ambry Variant Classification Scheme 2023. Collection method: clinical testing. Allele origin: germline.
Comment: The p.L1470I variant (also known as c.4408C>A), located in coding exon 36 of the ABCC9 gene, results from a C to A substitution at nucleotide position 4408. The leucine at codon 1470 is replaced by isoleucine, an amino acid with highly similar properties. This amino acid position is conserved. In addition, this alteration is predicted to be deleterious by in silico analysis. Based on the available evidence, the clinical significance of this variant remains unclear.